The following is an entry in ClinVar:

ClinVar aggregate classification (germline): Uncertain significance (1 of 4 stars; one submission).

Conditions:
Spermatogenic failure 18. Identifiers: MedGen C4539783, MONDO:0054615, OMIM 617576.
Ciliary dyskinesia, primary, 37 (CILD37). Also called: CILIARY DYSKINESIA, PRIMARY, 37, WITH OR WITHOUT SITUS INVERSUS. Identifiers: MedGen C4539798, MONDO:0033204, OMIM 617577.

Allele frequency attached by ClinVar (database versions not stated): TOPMed below 0.00001.

Submission:

Labcorp Genetics (formerly Invitae), Labcorp
Classification: Uncertain significance for Ciliary dyskinesia, primary, 37; Spermatogenic failure 18. Last evaluated: 2024-02-24. Review status: criteria provided, single submitter. Criteria: Invitae Variant Classification Sherloc (09022015). Collection method: clinical testing. Allele origin: germline.
Comment: This sequence change replaces methionine, which is neutral and non-polar, with valine, which is neutral and non-polar, at codon 1879 of the DNAH1 protein (p.Met1879Val). This variant is not present in population databases (gnomAD no frequency). This variant has not been reported in the literature in individuals affected with DNAH1-related conditions. ClinVar contains an entry for this variant (Variation ID: 1401550). Advanced modeling of protein sequence and biophysical properties (such as structural, functional, and spatial information, amino acid conservation, physicochemical variation, residue mobility, and thermodynamic stability) performed at Invitae indicates that this missense variant is not expected to disrupt DNAH1 protein function with a negative predictive value of 80%. In summary, the available evidence is currently insufficient to determine the role of this variant in disease. Therefore, it has been classified as a Variant of Uncertain Significance.

NM_015512.5(DNAH1):c.5635A>G (p.Met1879Val)

Gene: DNAH1 (dynein axonemal heavy chain 1; plus strand). Cytogenetic location: 3p21.1.
Variant type: single nucleotide variant.
Coding change: c.5635A>G on transcript NM_015512.5 (MANE Select); coding-DNA position 5635, A replaced by G.
Protein change: p.Met1879Val; replaces methionine 1879 with valine.
Molecular consequence: missense variant.
Genome position (GRCh38, 1-based): chr3:52,366,757, A>G. VCF-style: chr3-52366757-A-G. GRCh37 (hg19) VCF-style: chr3-52400773-A-G.
Other names: short protein forms M1879V.
Identifiers: ClinVar variation 1401550 (VCV001401550.7), dbSNP rs1703093178, ClinGen allele CA353148461.